The following is an entry in ClinVar:

NM_001037.5(SCN1B):c.448+122G>C

Gene: SCN1B (sodium voltage-gated channel beta subunit 1; plus strand). Cytogenetic location: 19q13.11.
Variant type: single nucleotide variant.
Coding change: c.448+122G>C on transcript NM_001037.5 (MANE Select); 122 bases into the intron after coding-DNA position 448, G replaced by C.
Molecular consequence: intron variant. On other transcripts: missense variant (1).
Genome position (GRCh38, 1-based): chr19:35,033,861, G>C. VCF-style: chr19-35033861-G-C. GRCh37 (hg19) VCF-style: chr19-35524765-G-C.
Other names: c.570G>C, p.Gln190His (NM_199037.5); c.349+122G>C (NM_001321605.2); short protein forms Q190H.
Identifiers: ClinVar variation 3646117 (VCV003646117.2).

ClinVar aggregate classification (germline): Uncertain significance (1 of 4 stars; one submission).

Conditions:
Brugada syndrome 5 (BRGDA5). Identifiers: Orphanet 130, Orphanet 871, MedGen C2748541, MONDO:0013015, OMIM 612838.

gnomAD v4.1: 1 of 1,609,882 alleles (0.000062%); highest among the groups gnomAD compares: Admixed American, 0.0017%; no homozygotes.

Submission:

Labcorp Genetics (formerly Invitae), Labcorp
Classification: Uncertain significance for Brugada syndrome 5. Last evaluated: 2024-03-15. Review status: criteria provided, single submitter. Criteria: Invitae Variant Classification Sherloc (09022015). Collection method: clinical testing. Allele origin: germline.
Comment: This sequence change replaces glutamine, which is neutral and polar, with histidine, which is basic and polar, at codon 190 of the SCN1B protein (p.Gln190His). This variant is present in population databases (no rsID available, gnomAD 0.003%). This variant has not been reported in the literature in individuals affected with SCN1B-related conditions. An algorithm developed to predict the effect of missense changes on protein structure and function (PolyPhen-2) suggests that this variant is likely to be tolerated. In summary, the available evidence is currently insufficient to determine the role of this variant in disease. Therefore, it has been classified as a Variant of Uncertain Significance.